The following is an entry in ClinVar:

NM_018077.3(RBM28):c.1266G>A (p.Glu422=)

Gene: RBM28 (RNA binding motif protein 28; minus strand). Cytogenetic location: 7q32.1.
Variant type: single nucleotide variant.
Coding change: c.1266G>A on transcript NM_018077.3 (MANE Select); coding-DNA position 1266, G replaced by A.
Protein change: p.Glu422=; no amino-acid change (glutamic acid 422 retained).
Molecular consequence: synonymous variant.
Genome position (GRCh38, 1-based): chr7:128,324,632, C>T on the plus strand (G>A on the coding strand, the complement: RBM28 is on the minus strand). VCF-style: chr7-128324632-C-T. GRCh37 (hg19) VCF-style: chr7-127964685-C-T.
Other names: c.843G>A, p.Glu281= (NM_001166135.2).
Identifiers: ClinVar variation 3057971 (VCV003057971.2), dbSNP rs867307392, ClinGen allele CA166114093.

ClinVar aggregate classification (germline): Likely benign (0 of 4 stars; one submission).

Conditions:
RBM28-related disorder. Also called: RBM28-related condition.

Allele frequency attached by ClinVar (database versions not stated): TOPMed 0.00003; gnomAD 0.00005; gnomAD exomes 0.00006; 1000 Genomes Project 30x 0.00016.

Submission:

PreventionGenetics, part of Exact Sciences
Classification: Likely benign for RBM28-related condition. Last evaluated: 2019-03-01. Review status: no assertion criteria provided. Collection method: clinical testing. Allele origin: germline.
Comment: This variant is classified as likely benign based on ACMG/AMP sequence variant interpretation guidelines (Richards et al. 2015 PMID: 25741868, with internal and published modifications).